The following is an entry in ClinVar:

NM_144687.4(NLRP12):c.1591G>A (p.Gly531Arg)

Gene: NLRP12 (NLR family pyrin domain containing 12; minus strand). Cytogenetic location: 19q13.42.
Variant type: single nucleotide variant.
Coding change: c.1591G>A on transcript NM_144687.4 (MANE Select); coding-DNA position 1591, G replaced by A.
Protein change: p.Gly531Arg; replaces glycine 531 with arginine.
Molecular consequence: missense variant.
Genome position (GRCh38, 1-based): chr19:53,810,068, C>T on the plus strand (G>A on the coding strand, the complement: NLRP12 is on the minus strand). VCF-style: chr19-53810068-C-T. GRCh37 (hg19) VCF-style: chr19-54313322-C-T.
Other names: c.1591G>A, p.Gly531Arg (NM_001277126.2, NM_001277129.1); short protein forms G531R.
Identifiers: ClinVar variation 841849 (VCV000841849.10), dbSNP rs566324385, ClinGen allele CA9639394.

ClinVar aggregate classification (germline): Uncertain significance (1 of 4 stars; one submission).

Conditions:
Familial cold autoinflammatory syndrome 2 (FCAS2). Identifiers: Orphanet 247868, MedGen C2673198, MONDO:0012724, OMIM 611762.

Allele frequency attached by ClinVar (database versions not stated): gnomAD below 0.00001 and 0.00002; TOPMed below 0.00001; ExAC 0.00002; 1000 Genomes Project 30x 0.00016; 1000 Genomes Project 0.00020.
gnomAD v4.1: 5 of 1,614,136 alleles (0.00031%); highest among the groups gnomAD compares: South Asian, 0.0044%; no homozygotes.

Submission:

Labcorp Genetics (formerly Invitae), Labcorp
Classification: Uncertain significance for Familial cold autoinflammatory syndrome 2. Last evaluated: 2019-02-07. Review status: criteria provided, single submitter. Criteria: Invitae Variant Classification Sherloc (09022015). Collection method: clinical testing. Allele origin: germline.
Comment: In summary, the available evidence is currently insufficient to determine the role of this variant in disease. Therefore, it has been classified as a Variant of Uncertain Significance. Algorithms developed to predict the effect of missense changes on protein structure and function output the following: SIFT: "Tolerated"; PolyPhen-2: "Benign"; Align-GVGD: "Class C0". The arginine amino acid residue is found in multiple mammalian species, suggesting that this missense change does not adversely affect protein function. These predictions have not been confirmed by published functional studies and their clinical significance is uncertain. This variant has not been reported in the literature in individuals with NLRP12-related conditions. This variant is present in population databases (rs566324385, ExAC 0.01%). This sequence change replaces glycine with arginine at codon 531 of the NLRP12 protein (p.Gly531Arg). The glycine residue is moderately conserved and there is a moderate physicochemical difference between glycine and arginine.